The following is an entry in ClinVar:

ClinVar aggregate classification (germline): Uncertain significance (1 of 4 stars; one submission).

Conditions:
Infantile-onset X-linked spinal muscular atrophy. Also called: Spinal muscular atrophy, X-linked 2; ARTHROGRYPOSIS, X-LINKED, TYPE I; SPINAL MUSCULAR ATROPHY, X-LINKED LETHAL INFANTILE; AMC, DISTAL, X-LINKED; Spinal Muscular Atrophy, X-Linked Infantile. Identifiers: Orphanet 1145, MedGen C1844934, MONDO:0010532, OMIM 301830.

Allele frequency attached by ClinVar (database versions not stated): gnomAD 0.00001; TOPMed 0.00001.
gnomAD v4.1: 3 of 1,209,898 alleles (0.00025%); highest among the groups gnomAD compares: Non-Finnish European, 0.00034%; no homozygotes.

Submission:

Labcorp Genetics (formerly Invitae), Labcorp
Classification: Uncertain significance for Infantile-onset X-linked spinal muscular atrophy. Last evaluated: 2024-12-27. Review status: criteria provided, single submitter. Criteria: Invitae Variant Classification Sherloc (09022015). Collection method: clinical testing. Allele origin: germline.
Comment: This sequence change replaces proline, which is neutral and non-polar, with alanine, which is neutral and non-polar, at codon 876 of the UBA1 protein (p.Pro876Ala). This variant is not present in population databases (gnomAD no frequency). This variant has not been reported in the literature in individuals affected with UBA1-related conditions. ClinVar contains an entry for this variant (Variation ID: 582593). An algorithm developed to predict the effect of missense changes on protein structure and function (PolyPhen-2) suggests that this variant is likely to be tolerated. In summary, the available evidence is currently insufficient to determine the role of this variant in disease. Therefore, it has been classified as a Variant of Uncertain Significance.

NM_003334.4(UBA1):c.2626C>G (p.Pro876Ala)

Gene: UBA1 (ubiquitin like modifier activating enzyme 1; plus strand). Cytogenetic location: Xp11.3.
Variant type: single nucleotide variant.
Coding change: c.2626C>G on transcript NM_003334.4 (MANE Select); coding-DNA position 2626, C replaced by G.
Protein change: p.Pro876Ala; replaces proline 876 with alanine.
Molecular consequence: missense variant.
Genome position (GRCh38, 1-based): chrX:47,212,843, C>G. VCF-style: chrX-47212843-C-G. GRCh37 (hg19) VCF-style: chrX-47072242-C-G.
Other names: c.2626C>G, p.Pro876Ala (NM_153280.3); short protein forms P876A.
Identifiers: ClinVar variation 582593 (VCV000582593.8), dbSNP rs782749176, ClinGen allele CA412810037.